The following is an entry in ClinVar:

ClinVar aggregate classification (germline): Uncertain significance (1 of 4 stars; one submission).

Conditions:
Adenylosuccinate lyase deficiency (ADSLD). Also called: ADSL DEFICIENCY. Identifiers: Orphanet 46, MedGen C0268126, MONDO:0007068, OMIM 103050.

Allele frequency attached by ClinVar (database versions not stated): gnomAD 0.00047 and 0.00053; TOPMed 0.00047.

Submission:

Labcorp Genetics (formerly Invitae), Labcorp
Classification: Uncertain significance for Adenylosuccinate lyase deficiency. Last evaluated: 2022-09-27. Review status: criteria provided, single submitter. Criteria: Invitae Variant Classification Sherloc (09022015). Collection method: clinical testing. Allele origin: germline.
Comment: This variant occurs in a non-coding region of the ADSL gene. It does not change the encoded amino acid sequence of the ADSL protein. The frequency data for this variant in the population databases is considered unreliable, as metrics indicate poor data quality at this position in the gnomAD database. This variant has not been reported in the literature in individuals affected with ADSL-related conditions. Experimental studies and prediction algorithms are not available or were not evaluated, and the functional significance of this variant is currently unknown. In summary, the available evidence is currently insufficient to determine the role of this variant in disease. Therefore, it has been classified as a Variant of Uncertain Significance.

NC_000022.11:g.40345568C>A

Gene: ADSL (adenylosuccinate lyase; plus strand). Cytogenetic location: 22q13.1.
Variant type: single nucleotide variant.
Genome position: GRCh38 VCF-style: chr22-40345568-C-A. GRCh37 (hg19) VCF-style: chr22-40741572-C-A.
Identifiers: ClinVar variation 1505983 (VCV001505983.3), dbSNP rs1358901512, ClinGen allele CA639407891.